The following is an entry in ClinVar:

ClinVar aggregate classification (germline): Uncertain significance (1 of 4 stars; one submission).

Conditions:
Autosomal recessive congenital ichthyosis 1 (LI1). Also called: COLLODION FETUS; DESQUAMATION OF NEWBORN; ICHTHYOSIS, CONGENITAL, AUTOSOMAL RECESSIVE 1, WITH BATHING SUIT DISTRIBUTION; ICHTHYOSIS CONGENITA; ICHTHYOSIS CONGENITA II; LAMELLAR EXFOLIATION OF NEWBORN. Identifiers: MedGen C4551630, MONDO:0009441, OMIM 242300.

Submission:

Myriad Genetics, Inc.
Classification: Uncertain significance for Autosomal recessive congenital ichthyosis 1. Last evaluated: 2026-09-03. Review status: criteria provided, single submitter. Criteria: Myriad Autosomal Dominant, Autosomal Recessive and X-Linked Classification Criteria (2023). Collection method: clinical testing. Allele origin: unknown.
Comment: NM_000359.2(TGM1):c.117_119delAGG(G40del) is an in-frame deletion classified as a variant of uncertain significance in the context of TGM1-related autosomal recessive congenital ichthyosis. G40del has not been observed in cases with relevant disease. Relevant functional assessments of this variant are not available in the literature. G40del has not been observed in referenced population frequency databases. In summary, there is insufficient evidence to classify NM_000359.2(TGM1):c.117_119delAGG(G40del) as pathogenic or benign. Please note: this variant was assessed in the context of healthy population screening.

NM_000359.3(TGM1):c.111AGG[2] (p.Gly40del)

Gene: TGM1 (transglutaminase 1; minus strand). Cytogenetic location: 14q12.
Variant type: Microsatellite.
Coding change: c.111AGG[2] on transcript NM_000359.3 (MANE Select); two copies in a row of the 3-base unit AGG starting at c.111; the reference has three copies in a row; one copy, 3 bases deleted.
Protein change: p.Gly40del; deletes glycine 40.
Molecular consequence: inframe deletion.
Genome position (GRCh38, 1-based): chr14:24,262,234-24,262,236, CCT deleted on the plus strand (AGG on the coding strand, the reverse complement: TGM1 is on the minus strand); deleting any 3 consecutive bases within chr14:24,262,234-24,262,243 gives the same sequence; the position shown is the placement nearest the transcript's 3' end. VCF-style (leftmost placement, unchanged base first): chr14-24262233-GCCT-G. GRCh37 (hg19) VCF-style: chr14-24731439-GCCT-G.
Other names: short protein forms G40del.
Identifiers: ClinVar variation 5004884 (VCV005004884.1).